The following is an entry in ClinVar:

NM_006231.4(POLE):c.1323G>A (p.Pro441=)

Gene: POLE (DNA polymerase epsilon, catalytic subunit; minus strand). Cytogenetic location: 12q24.33.
Variant type: single nucleotide variant.
Coding change: c.1323G>A on transcript NM_006231.4 (MANE Select); coding-DNA position 1323, G replaced by A.
Protein change: p.Pro441=; no amino-acid change (proline 441 retained).
Molecular consequence: synonymous variant.
Genome position (GRCh38, 1-based): chr12:132,673,611, C>T on the plus strand (G>A on the coding strand, the complement: POLE is on the minus strand). VCF-style: chr12-132673611-C-T. GRCh37 (hg19) VCF-style: chr12-133250197-C-T.
Identifiers: ClinVar variation 240387 (VCV000240387.38), dbSNP rs116573514, ClinGen allele CA6894006.

ClinVar aggregate classification (germline): Benign. Review status: criteria provided, multiple submitters, no conflicts (2 of 4 stars). 15 submissions from 15 submitters: Benign (10). 5 of the submissions do not count toward it. Last evaluated 2026-02-04.

Conditions:
Polymerase proofreading-related adenomatous polyposis. Also called: Polymerase proofreading associated polyposis; Polymerase proofreading–associated polyposis (PPAP). Identifiers: Orphanet 447877, MedGen C5202613, MONDO:0018653.
Colorectal cancer, susceptibility to, 12 (CRCS12). Also called: COLORECTAL CANCER, SUSCEPTIBILITY TO, ON CHROMOSOME 12q24. Identifiers: Orphanet 220460, MedGen C3554460, MONDO:0014038, OMIM 615083.
Hereditary cancer-predisposing syndrome. Also called: Tumor predisposition; Neoplastic Syndromes, Hereditary; Hereditary Cancer Syndrome; Hereditary neoplastic syndrome. Identifiers: Orphanet 140162, MedGen C0027672, MeSH D009386, MONDO:0015356.

Allele frequency attached by ClinVar (database versions not stated): gnomAD 0.00106 and 0.00174; gnomAD exomes 0.00183 and 0.00327; TOPMed 0.00184; ExAC 0.00350; 1000 Genomes Project 0.00779; 1000 Genomes Project 30x 0.00781.
gnomAD v4.1: 2,888 of 1,613,658 alleles (0.18%); highest among the groups gnomAD compares: East Asian, 6%; 86 homozygotes.

Submissions (15):

Labcorp Genetics (formerly Invitae), Labcorp
Classification: Benign. Last evaluated: 2026-02-04. Review status: criteria provided, single submitter. Criteria: Invitae Variant Classification Sherloc (09022015). Collection method: clinical testing. Allele origin: germline.

Center for Genomic Medicine, Rigshospitalet, Copenhagen University Hospital
Classification: Benign. Last evaluated: 2025-03-04. Review status: criteria provided, single submitter. Criteria: ACMG Guidelines, 2015. Collection method: clinical testing. Allele origin: germline.

Myriad Genetics, Inc.
Classification: Benign for Colorectal cancer, susceptibility to, 12. Last evaluated: 2025-02-10. Review status: criteria provided, single submitter. Criteria: Myriad Autosomal Dominant, Autosomal Recessive and X-Linked Classification Criteria (2023). Collection method: clinical testing. Allele origin: unknown.
Comment: This variant is considered benign. This variant is a silent/synonymous amino acid change and it is not expected to impact splicing.

KCCC/NGS Laboratory, Kuwait Cancer Control Center
Classification: Benign for Colorectal cancer, susceptibility to, 12. Last evaluated: 2025-02-01. Review status: criteria provided, single submitter. Criteria: ACMG Guidelines, 2015. Collection method: clinical testing. Allele origin: germline. Affected: no.

Quest Diagnostics Nichols Institute San Juan Capistrano
Classification: Benign. Last evaluated: 2020-08-04. Review status: criteria provided, single submitter. Criteria: Quest Diagnostics criteria. Collection method: clinical testing. Allele origin: unknown.

Genetic Services Laboratory, University of Chicago
Classification: Benign. Last evaluated: 2019-04-25. Review status: criteria provided, single submitter. Criteria: ACMG Guidelines, 2015. Collection method: clinical testing. Allele origin: germline. Affected: no.

GeneDx
Classification: Benign. Last evaluated: 2018-02-12. Review status: criteria provided, single submitter. Criteria: GeneDx Variant Classification (06012015). Collection method: clinical testing. Allele origin: germline. Affected: yes.
Comment: This variant is considered likely benign or benign based on one or more of the following criteria: it is a conservative change, it occurs at a poorly conserved position in the protein, it is predicted to be benign by multiple in silico algorithms, and/or has population frequency not consistent with disease.

Women's Health and Genetics/Laboratory Corporation of America, LabCorp
Classification: Benign. Last evaluated: 2017-07-28. Review status: criteria provided, single submitter. Criteria: LabCorp Variant Classification Summary - May 2015. Collection method: clinical testing. Allele origin: germline.
Comment: Variant summary: The POLE c.1323G>A (p.Pro441Pro) variant involves the alteration of a non-conserved nucleotide, resulting in a synonymous change. One in silico tool predicts a damaging outcome for this variant. 5/5 splice prediction tools predict no significant impact on normal splicing. However, these predictions have yet to be confirmed by functional studies. This variant was found in 424/121124 control chromosomes (15 homozygotes), predominantly observed in the East Asian subpopulation at a frequency of 0.047923 (413/8618). This frequency is about 3374 times the estimated maximal expected allele frequency of a pathogenic POLE variant (0.0000142), suggesting this is likely a benign polymorphism found primarily in the populations of East Asian origin. In addition, multiple clinical diagnostic laboratories/reputable databases classified this variant as benign/likely benign. Taken together, this variant is classified as benign.

PreventionGenetics, part of Exact Sciences
Classification: Benign. Last evaluated: 2017-07-10. Review status: criteria provided, single submitter. Criteria: ACMG Guidelines, 2015. Collection method: clinical testing. Allele origin: germline.

Ambry Genetics
Classification: Benign for Hereditary cancer-predisposing syndrome. Last evaluated: 2015-07-02. Review status: criteria provided, single submitter. Criteria: Ambry Variant Classification Scheme 2023. Collection method: clinical testing. Allele origin: germline.

True Health Diagnostics
Classification: Likely benign for Hereditary cancer-predisposing syndrome. Last evaluated: 2018-05-01. Review status: no assertion criteria provided. Collection method: clinical testing. Allele origin: germline. Not counted in ClinVar's aggregate classification.

Clinical Genetics, Academic Medical Center
Classification: Benign. Review status: no assertion criteria provided. Collection method: clinical testing. Allele origin: germline. Affected: yes. Study: VKGL Data-share Consensus. Not counted in ClinVar's aggregate classification.

Department of Pathology and Laboratory Medicine, Sinai Health System
Classification: Benign for Polymerase proofreading-related adenomatous polyposis. Review status: no assertion criteria provided. Collection method: clinical testing. Allele origin: unknown. Affected: yes. Study: The Canadian Open Genetics Repository (COGR). Not counted in ClinVar's aggregate classification.
Comment: The POLE p.Pro441= variant was not identified in the literature. The variant was identified in dbSNP (ID: rs116573514) as "With Benign allele ", ClinVar (classified as benign in Invitae, GeneDx, Ambry Genetics and two clinical laboratories), and in Cosmic (1x in Large intestine), databases. The variant was identified in control databases in 834 of 276646 chromosomes (18 homozygous) at a frequency of 0.003 increasing the likelihood this could be a low frequency benign variant (Genome Aggregation Database Feb 27, 2017). The variant was observed in the following populations: African in 1 of 24014 chromosomes (freq: 0.00004), Other in 6 of 6460 chromosomes (freq: 0.0009), Latino in 1 of 34414 chromosomes (freq: 0.00003), European in 8 of 126608 chromosomes (freq: 0.00006), East Asian in 802 of 18866 chromosomes (freq: 0.04), and South Asian in 16 of 30782 chromosomes (freq: 0.0005), while the variant was not observed in the Ashkenazi Jewish, and Finnish, populations. The p.Pro441= variant is not expected to have clinical significance because it does not result in a change of amino acid and is not located in a known consensus splice site. In addition, in silico or computational prediction software programs (SpliceSiteFinder, MaxEntScan, NNSPLICE, GeneSplicer, HumanSpliceFinder) do not predict a difference in splicing. In summary, based on the above information this variant meets our laboratory's criteria to be classified as benign.

Genome Diagnostics Laboratory, Amsterdam University Medical Center
Classification: Benign. Review status: no assertion criteria provided. Collection method: clinical testing. Allele origin: germline. Affected: yes. Study: VKGL Data-share Consensus. Not counted in ClinVar's aggregate classification.

Joint Genome Diagnostic Labs from Nijmegen and Maastricht, Radboudumc and MUMC+
Classification: Benign. Review status: no assertion criteria provided. Collection method: clinical testing. Allele origin: germline. Affected: yes. Study: VKGL Data-share Consensus. Not counted in ClinVar's aggregate classification.